The following is an entry in ClinVar:

NM_001201543.2(FAM161A):c.806del (p.Leu269fs)

Gene: FAM161A (FAM161 centrosomal protein A; minus strand). Cytogenetic location: 2p15.
Variant type: Deletion.
Coding change: c.806del on transcript NM_001201543.2 (MANE Select); coding-DNA position 806, one base deleted (T; older notation c.806delT).
Protein change: p.Leu269fs; shifts the reading frame from leucine 269.
Molecular consequence: frameshift variant. On other transcripts: non-coding transcript variant (1).
Genome position (GRCh38, 1-based): chr2:61,840,198, A deleted on the plus strand (T on the coding strand, the reverse complement: FAM161A is on the minus strand). VCF-style (leftmost placement, unchanged base first): chr2-61840197-GA-G. GRCh37 (hg19) VCF-style: chr2-62067332-GA-G.
Other names: c.806del, p.Leu269fs (NM_032180.3); short protein forms L269fs.
Identifiers: ClinVar variation 4814697 (VCV004814697.1).

ClinVar aggregate classification (germline): Likely pathogenic (1 of 4 stars; one submission).

Conditions:
Retinitis pigmentosa 28 (RP28). Identifiers: Orphanet 791, MedGen C1419614, MONDO:0011630, OMIM 606068.

Submission:

Natera, Inc.
Classification: Likely pathogenic for Retinitis pigmentosa type 28. Last evaluated: 2024-03-15. Review status: criteria provided, single submitter. Criteria: Natera Variant Classification Schema (03/2026). Collection method: clinical testing. Allele origin: germline.
Comment: The c.806delT variant in FAM161A is a frameshift variant predicted to shift the reading frame beginning at codon 269 and leads to a stop codon 31 codons downstream. This variant is expected to result in nonsense mediated decay, truncation, or a dysfunctional protein product. This variant is rare in the general population with a frequency below the threshold expected for the associated phenotype(s). Given the available evidence, this variant is classified as Likely Pathogenic.